The following is an entry in ClinVar:

NM_145698.5(ACBD5):c.1274G>A (p.Arg425His)

Gene: ACBD5 (acyl-CoA binding domain containing 5; minus strand). Cytogenetic location: 10p12.1.
Variant type: single nucleotide variant.
Coding change: c.1274G>A on transcript NM_145698.5 (MANE Select); coding-DNA position 1274, G replaced by A.
Protein change: p.Arg425His; replaces arginine 425 with histidine.
Molecular consequence: missense variant.
Genome position (GRCh38, 1-based): chr10:27,208,376, C>T on the plus strand (G>A on the coding strand, the complement: ACBD5 is on the minus strand). VCF-style: chr10-27208376-C-T. GRCh37 (hg19) VCF-style: chr10-27497305-C-T.
Other names: c.1169G>A, p.Arg390His (NM_001042473.4, NM_001352577.2, NM_001352578.2 and 1 more transcripts); c.1268G>A, p.Arg423His (NM_001271512.3); c.947G>A, p.Arg316His (NM_001301251.2, NM_001301252.2, NM_001301253.2 and 2 more transcripts); c.743G>A, p.Arg248His (NM_001301254.2); c.1328G>A, p.Arg443His (NM_001352568.1); c.1307G>A, p.Arg436His (NM_001352569.1); c.1274G>A, p.Arg425His (NM_001352570.1); c.1301G>A, p.Arg434His (NM_001352571.1); and 10 more; short protein forms R357H, R390H, R432H, R327H, R355H, R401H, R418H, R436H.
Identifiers: ClinVar variation 1905646 (VCV001905646.3), dbSNP rs758175108, ClinGen allele CA5450682.

ClinVar aggregate classification (germline): Uncertain significance (1 of 4 stars; one submission).

Allele frequency attached by ClinVar (database versions not stated): ExAC 0.00001; gnomAD 0.00003.
gnomAD v4.1: 12 of 1,614,012 alleles (0.00074%); highest among the groups gnomAD compares: South Asian, 0.0033%; no homozygotes.

Submission:

Labcorp Genetics (formerly Invitae), Labcorp
Classification: Uncertain significance. Last evaluated: 2021-12-27. Review status: criteria provided, single submitter. Criteria: Invitae Variant Classification Sherloc (09022015). Collection method: clinical testing. Allele origin: germline.
Comment: In summary, the available evidence is currently insufficient to determine the role of this variant in disease. Therefore, it has been classified as a Variant of Uncertain Significance. Algorithms developed to predict the effect of missense changes on protein structure and function are either unavailable or do not agree on the potential impact of this missense change (SIFT: "Deleterious"; PolyPhen-2: "Probably Damaging"; Align-GVGD: "Class C0"). This variant has not been reported in the literature in individuals affected with ACBD5-related conditions. This variant is present in population databases (rs758175108, gnomAD 0.003%). This sequence change replaces arginine, which is basic and polar, with histidine, which is basic and polar, at codon 425 of the ACBD5 protein (p.Arg425His).